The following is an entry in ClinVar:

NM_005901.6(SMAD2):c.275C>G (p.Thr92Arg)

Gene: SMAD2 (SMAD family member 2; minus strand). Cytogenetic location: 18q21.1.
Variant type: single nucleotide variant.
Coding change: c.275C>G on transcript NM_005901.6 (MANE Select); coding-DNA position 275, C replaced by G.
Protein change: p.Thr92Arg; replaces threonine 92 with arginine.
Molecular consequence: missense variant. On other transcripts: intron variant (1).
Genome position (GRCh38, 1-based): chr18:47,870,526, G>C on the plus strand (C>G on the coding strand, the complement: SMAD2 is on the minus strand). VCF-style: chr18-47870526-G-C. GRCh37 (hg19) VCF-style: chr18-45396897-G-C.
Other names: c.275C>G, p.Thr92Arg (NM_001003652.4); c.237-1090C>G (NM_001135937.3); short protein forms T92R.
Identifiers: ClinVar variation 3958340 (VCV003958340.1).

ClinVar aggregate classification (germline): Uncertain significance (1 of 4 stars; one submission).

Conditions:
Inborn genetic diseases. Identifiers: MedGen C0950123, MeSH D030342.

gnomAD v4.1: 3 of 1,613,388 alleles (0.00019%); highest among the groups gnomAD compares: African/African-American, 0.004%; no homozygotes.

Submission:

Ambry Genetics
Classification: Uncertain significance for Inborn genetic diseases. Last evaluated: 2025-04-12. Review status: criteria provided, single submitter. Criteria: Ambry Variant Classification Scheme 2023. Collection method: clinical testing. Allele origin: germline.
Comment: The p.T92R variant (also known as c.275C>G), located in coding exon 2 of the SMAD2 gene, results from a C to G substitution at nucleotide position 275. The threonine at codon 92 is replaced by arginine, an amino acid with similar properties. This amino acid position is conserved. In addition, this alteration is predicted to be deleterious by in silico analysis. Based on the available evidence, the clinical significance of this variant remains unclear.